The following is an entry in ClinVar:

ClinVar aggregate classification (germline): Uncertain significance (1 of 4 stars; one submission).

Submission:

Labcorp Genetics (formerly Invitae), Labcorp
Classification: Uncertain significance. Last evaluated: 2022-07-25. Review status: criteria provided, single submitter. Criteria: Invitae Variant Classification Sherloc (09022015). Collection method: clinical testing. Allele origin: germline.
Comment: This variant results in a copy number gain of the genomic region encompassing exon(s) 1-4 of the MCM3AP gene. This region includes the initiator codon of the gene. This copy number gain extends beyond the assayed region for this gene and therefore may encompass additional genes. As the precise location of this event is unknown, it may be in tandem or it may be located elsewhere in the genome. This variant has not been reported in the literature in individuals affected with MCM3AP-related conditions. Experimental studies and prediction algorithms are not available or were not evaluated, and the functional significance of this variant is currently unknown. In summary, the available evidence is currently insufficient to determine the role of this variant in disease. Therefore, it has been classified as a Variant of Uncertain Significance.

NC_000021.8:g.(?_47699887)_(47705200_?)dup

Gene: MCM3AP (minichromosome maintenance complex component 3 associated protein; minus strand). Cytogenetic location: 21q22.3.
Variant type: Duplication.
Identifiers: ClinVar variation 2424790 (VCV002424790.3).